The following is an entry in ClinVar:

ClinVar aggregate classification (germline): Uncertain significance (1 of 4 stars; one submission).

Conditions:
Wilson disease (WND). Also called: Wilson's disease. Identifiers: Orphanet 905, MedGen C0019202, MONDO:0010200, OMIM 277900. Disease mechanism: loss of function.

gnomAD v4.1: 1 of 1,613,878 alleles (0.000062%); highest among the groups gnomAD compares: Non-Finnish European, 0.000085%; no homozygotes.

Submission:

Color Diagnostics, LLC DBA Color Health
Classification: Uncertain significance for Wilson disease. Last evaluated: 2025-06-09. Review status: criteria provided, single submitter. Criteria: ACMG Guidelines, 2015. Collection method: clinical testing. Allele origin: germline.
Comment: This missense variant replaces alanine with threonine at codon 632 of the ATP7B protein. Computational prediction suggests that this variant may not impact protein structure and function. To our knowledge, functional studies have not been reported for this variant. This variant has not been reported in individuals affected with ATP7B-related disorders in the literature. This variant has been identified in 1/249554 chromosomes in the general population by the Genome Aggregation Database (gnomAD). The available evidence is insufficient to determine the role of this variant in disease conclusively. Therefore, this variant is classified as a Variant of Uncertain Significance.

NM_000053.4(ATP7B):c.1894G>A (p.Ala632Thr)

Gene: ATP7B (ATPase copper transporting beta; minus strand). Cytogenetic location: 13q14.3.
Variant type: single nucleotide variant.
Coding change: c.1894G>A on transcript NM_000053.4 (MANE Select); coding-DNA position 1894, G replaced by A.
Protein change: p.Ala632Thr; replaces alanine 632 with threonine.
Molecular consequence: missense variant. On other transcripts: intron variant (13).
Genome position (GRCh38, 1-based): chr13:51,961,889, C>T on the plus strand (G>A on the coding strand, the complement: ATP7B is on the minus strand). VCF-style: chr13-51961889-C-T. GRCh37 (hg19) VCF-style: chr13-52536025-C-T.
Other names: c.1894G>A, p.Ala632Thr (NM_001406513.1, NM_001406515.1, NM_001406516.1 and 16 more transcripts); c.1861G>A, p.Ala621Thr (NM_001406514.1, NM_001406524.1); c.1798G>A, p.Ala600Thr (NM_001406517.1, NM_001406518.1, NM_001406536.1 and 1 more transcripts); c.1561G>A, p.Ala521Thr (NM_001243182.2); c.1465G>A, p.Ala489Thr (NM_001406539.1); c.1869+2983G>A (NM_001406541.1, NM_001406531.1, NM_001406532.1 and 5 more transcripts); c.1773+2983G>A (NM_001406543.1, NM_001406544.1); c.1286-11728G>A (NM_001406548.1); and 1 more; short protein forms A489T, A521T, A600T, A621T, A632T.
Identifiers: ClinVar variation 4757252 (VCV004757252.1).